The following is an entry in ClinVar:

NM_033100.4(CDHR1):c.*767C>T

Gene: CDHR1 (cadherin related family member 1; plus strand). Cytogenetic location: 10q23.1.
Variant type: single nucleotide variant.
Coding change: c.*767C>T on transcript NM_033100.4 (MANE Select); 767 bases downstream of the stop codon, C replaced by T.
Molecular consequence: 3 prime UTR variant. On other transcripts: intron variant (1).
Genome position (GRCh38, 1-based): chr10:84,215,388, C>T. VCF-style: chr10-84215388-C-T. GRCh37 (hg19) VCF-style: chr10-85975144-C-T.
Other names: c.2040+2040C>T (NM_001171971.3).
Identifiers: ClinVar variation 877925 (VCV000877925.4), dbSNP rs60075421, ClinGen allele CA210388004.
Genomic context (GRCh38, chr10:84,215,388, plus strand): 5'-GCCAGGACTGCCCTGAGCCGCAAAATGTCAAAGCTGGAGCTATAGAGGTAGCCCTAAAGG[C>T]AACTAGAAGAGCATCAGGGCTGCTCTCTGAGGAGCTGCCCCACCAGCCATCCTTGAAGAG-3'

ClinVar aggregate classification (germline): Benign (1 of 4 stars; one submission).

Conditions:
Cone-rod dystrophy 15 (CORD15). Identifiers: MedGen C3150912, MONDO:0013348, OMIM 613660.

Allele frequency attached by ClinVar (database versions not stated): gnomAD exomes 0.00067; gnomAD 0.00877 and 0.00937; TOPMed 0.00991; 1000 Genomes Project 0.01138; 1000 Genomes Project 30x 0.01140.
gnomAD v4.1: 1,889 of 985,558 alleles (0.19%); highest among the groups gnomAD compares: African/African-American, 3.1%; 33 homozygotes.

Submission:

Illumina Laboratory Services, Illumina
Classification: Benign for Cone-rod dystrophy 15. Last evaluated: 2017-04-27. Review status: criteria provided, single submitter. Criteria: ICSL Variant Classification Criteria 13 December 2019. Collection method: clinical testing. Allele origin: germline.
Comment: This variant was observed as part of a predisposition screen in an ostensibly healthy population. A literature search was performed for the gene, cDNA change, and amino acid change (where applicable). No publications were found based on this search. Allele frequency data from public databases was too high to be consistent with this variant causing disease. Therefore, this variant is classified as benign.